The following is an entry in ClinVar:

ClinVar aggregate classification (germline): Pathogenic. Review status: criteria provided, multiple submitters, no conflicts (2 of 4 stars). 2 submissions from 2 submitters: Pathogenic (2). Last evaluated 2026-03-04.

Conditions:
Neurofibromatosis, type 1 (NF1). Also called: NEUROFIBROMATOSIS, TYPE I, SOMATIC; VON RECKLINGHAUSEN DISEASE; Neurofibromatosis, type I; Peripheral type neurofibromatosis. Identifiers: Orphanet 636, MedGen C0027831, MONDO:0018975, OMIM 162200. Disease mechanism: loss of function.

Submissions (2):

GeneDx
Classification: Pathogenic. Last evaluated: 2026-03-04. Review status: criteria provided, single submitter. Criteria: GeneDx Variant Classification Process June 2021. Collection method: clinical testing. Allele origin: germline.
Comment: Frameshift variant predicted to result in protein truncation or nonsense mediated decay in a gene for which loss of function is a known mechanism of disease; Not observed at significant frequency in large population cohorts (gnomAD); This variant is associated with the following publications: (PMID: 23913538)

Labcorp Genetics (formerly Invitae), Labcorp
Classification: Pathogenic for Neurofibromatosis, type 1. Last evaluated: 2024-10-02. Review status: criteria provided, single submitter. Criteria: Invitae Variant Classification Sherloc (09022015). Collection method: clinical testing. Allele origin: germline.
Comment: This sequence change creates a premature translational stop signal (p.His2402Profs*9) in the NF1 gene. It is expected to result in an absent or disrupted protein product. Loss-of-function variants in NF1 are known to be pathogenic (PMID: 10712197, 23913538). This variant is not present in population databases (gnomAD no frequency). This premature translational stop signal has been observed in individual(s) with neurofibromatosis, type 1 (PMID: 23913538). ClinVar contains an entry for this variant (Variation ID: 959672). For these reasons, this variant has been classified as Pathogenic.

Literature cited by the submitters: PubMed 10712197 (cited by Labcorp Genetics (formerly Invitae), Labcorp); PubMed 23913538 (cited by Labcorp Genetics (formerly Invitae), Labcorp).

NM_001042492.3(NF1):c.7268del (p.His2423fs)

Gene: NF1 (neurofibromin 1; plus strand). Cytogenetic location: 17q11.2.
Variant type: Deletion.
Coding change: c.7268del on transcript NM_001042492.3 (MANE Select); coding-DNA position 7268, one base deleted (A; older notation c.7268delA).
Protein change: p.His2423fs; shifts the reading frame from histidine 2423.
Molecular consequence: frameshift variant.
Genome position (GRCh38, 1-based): chr17:31,349,198, A deleted. VCF-style (leftmost placement, unchanged base first): chr17-31349197-CA-C. GRCh37 (hg19) VCF-style: chr17-29676215-CA-C.
Other names: c.7205delA, p.His2402Profs (NM_000267.4); short protein forms H2423fs, H2402fs.
Identifiers: ClinVar variation 959672 (VCV000959672.7), dbSNP rs2070076467, ClinGen allele CA658761018.